The following is an entry in ClinVar:

NM_000535.7(PMS2):c.904G>A (p.Val302Ile)

Gene: PMS2 (PMS1 homolog 2, mismatch repair system component; minus strand). Cytogenetic location: 7p22.1.
Variant type: single nucleotide variant.
Coding change: c.904G>A on transcript NM_000535.7 (MANE Select); coding-DNA position 904, G replaced by A.
Protein change: p.Val302Ile; replaces valine 302 with isoleucine.
Molecular consequence: missense variant. On other transcripts: 5 prime UTR variant (2), non-coding transcript variant (1).
Genome position (GRCh38, 1-based): chr7:5,992,057, C>T on the plus strand (G>A on the coding strand, the complement: PMS2 is on the minus strand). VCF-style: chr7-5992057-C-T. GRCh37 (hg19) VCF-style: chr7-6031688-C-T.
Other names: c.499G>A, p.Val167Ile (NM_001322003.2, NM_001322004.2, NM_001322005.2 and 2 more transcripts); c.904G>A, p.Val302Ile (NM_001322006.2, NM_001322014.2); c.586G>A, p.Val196Ile (NM_001322007.2, NM_001322008.2); c.-30G>A (NM_001322011.2, NM_001322012.2); c.331G>A, p.Val111Ile (NM_001322013.2); c.595G>A, p.Val199Ile (NM_001322015.2); short protein forms V167I, V196I, V302I, V111I, V199I.
Identifiers: ClinVar variation 822944 (VCV000822944.7), dbSNP rs755960629, ClinGen allele CA366743225.
Genomic context (GRCh38, chr7:5,992,057, plus strand): 5'-CAACAAATGGATACTGGTGTCGATTATACATGTGGTAGACCTCATTCACGAGTCTGCAGA[C>T]CTGCACAAAATACAAGGAGTAGAAAAGAATAAATGACAAATGTTCCCAGCCCCCCGCATT-3'
Protein context (NP_000526.2, residues 292-312): INRRPCDPAK[Val302Ile]CRLVNEVYHM

ClinVar aggregate classification (germline): Uncertain significance. Review status: criteria provided, multiple submitters, no conflicts (2 of 4 stars). 2 submissions from 2 submitters: Uncertain significance (2). Last evaluated 2024-01-29.

Conditions:
Hereditary cancer-predisposing syndrome. Also called: Tumor predisposition; Hereditary Cancer Syndrome; Neoplastic Syndromes, Hereditary; Hereditary neoplastic syndrome. Identifiers: Orphanet 140162, MedGen C0027672, MeSH D009386, MONDO:0015356.
Hereditary nonpolyposis colorectal neoplasms. Identifiers: MedGen C0009405, MeSH D003123.

Submissions (2):

Labcorp Genetics (formerly Invitae), Labcorp
Classification: Uncertain significance for Hereditary nonpolyposis colorectal neoplasms. Last evaluated: 2024-01-29. Review status: criteria provided, single submitter. Criteria: Invitae Variant Classification Sherloc (09022015). Collection method: clinical testing. Allele origin: germline.
Comment: This sequence change replaces valine, which is neutral and non-polar, with isoleucine, which is neutral and non-polar, at codon 302 of the PMS2 protein (p.Val302Ile). This variant is not present in population databases (gnomAD no frequency). This variant has not been reported in the literature in individuals affected with PMS2-related conditions. ClinVar contains an entry for this variant (Variation ID: 822944). Algorithms developed to predict the effect of missense changes on protein structure and function output the following: SIFT: "Not Available"; PolyPhen-2: "Benign"; Align-GVGD: "Not Available". The isoleucine amino acid residue is found in multiple mammalian species, which suggests that this missense change does not adversely affect protein function. In summary, the available evidence is currently insufficient to determine the role of this variant in disease. Therefore, it has been classified as a Variant of Uncertain Significance.

Ambry Genetics
Classification: Uncertain significance for Hereditary cancer-predisposing syndrome. Last evaluated: 2019-05-09. Review status: criteria provided, single submitter. Criteria: Ambry Variant Classification Scheme 2023. Collection method: clinical testing. Allele origin: germline.
Comment: The p.V302I variant (also known as c.904G>A) is located in coding exon 9 of the PMS2 gene. The valine at codon 302 is replaced by isoleucine, an amino acid with highly similar properties. This change occurs in the first base pair of coding exon 9. This amino acid position is highly conserved in available vertebrate species. In addition, the in silico prediction for this alteration is inconclusive. Since supporting evidence is limited at this time, the clinical significance of this alteration remains unclear.